The following is an entry in ClinVar:

ClinVar aggregate classification (germline): Conflicting classifications of pathogenicity. Review status: criteria provided, conflicting classifications (1 of 4 stars). 4 submissions from 4 submitters: Uncertain significance (2); Likely benign (2). Last evaluated 2025-05-07.

Conditions:
Tuberous sclerosis syndrome (TSC). Also called: Tuberous Sclerosis Complex; Tuberous sclerosis. Identifiers: Orphanet 805, MedGen C0041341, MONDO:0001734.
Tuberous sclerosis 1 (TSC1). Identifiers: Orphanet 805, MedGen C1854465, MONDO:0008612, OMIM 191100.
Lymphangiomyomatosis (LAM). Also called: Lymphangioleiomyomatosis; Lymphangioleiomyomatosis, somatic. Identifiers: Orphanet 538, MedGen C0751674, MONDO:0011705, OMIM 606690.
Isolated focal cortical dysplasia type II (FCORD2). Also called: CORTICAL DYSPLASIA OF TAYLOR; Focal cortical dysplasia type II. Identifiers: Orphanet 268994, MedGen C1846385, MONDO:0011818, OMIM 607341, HP:0032051.

Allele frequency attached by ClinVar (database versions not stated): TOPMed below 0.00001; gnomAD 0.00001.
gnomAD v4.1: 1 of 1,613,960 alleles (0.000062%); highest among the groups gnomAD compares: Non-Finnish European, 0.000085%; no homozygotes.

Submissions (4):

Labcorp Genetics (formerly Invitae), Labcorp
Classification: Likely benign for Tuberous sclerosis 1. Last evaluated: 2025-05-07. Review status: criteria provided, single submitter. Criteria: Invitae Variant Classification Sherloc (09022015). Collection method: clinical testing. Allele origin: germline.

Myriad Genetics, Inc.
Classification: Likely benign for Tuberous sclerosis 1. Last evaluated: 2023-12-19. Review status: criteria provided, single submitter. Criteria: Myriad Autosomal Dominant, Autosomal Recessive and X-Linked Classification Criteria (2023). Collection method: clinical testing. Allele origin: unknown.
Comment: This variant is considered likely benign. This variant is intronic and is not expected to impact mRNA splicing.

All of Us Research Program, National Institutes of Health
Classification: Uncertain significance for Tuberous sclerosis syndrome. Last evaluated: 2023-10-23. Review status: criteria provided, single submitter. Criteria: ACMG Guidelines, 2015. Collection method: clinical testing. Allele origin: germline. Inheritance: Autosomal dominant inheritance. Observed: 2 variant alleles, 2 heterozygotes.
Comment: This variant causes an A to T nucleotide substitution at the +6 position of intron 22 of the TSC1 gene. To our knowledge, RNA studies have not been reported for this variant. This variant has not been reported in individuals affected with TSC1-related disorders in the literature. This variant has not been identified in the general population by the Genome Aggregation Database (gnomAD). The available evidence is insufficient to determine the role of this variant in disease conclusively. Therefore, this variant is classified as a Variant of Uncertain Significance.

This study involves interpretation of variants in research participants for the purpose of population health screening. Participant phenotype was not available at the time of variant classification. Additional details can be found in publication PMID: 35346344, PMCID: PMC8962531

Fulgent Genetics
Classification: Uncertain significance for Tuberous sclerosis 1; Lymphangiomyomatosis; Isolated focal cortical dysplasia type II. Last evaluated: 2022-01-10. Review status: criteria provided, single submitter. Criteria: ACMG Guidelines, 2015. Collection method: clinical testing. Allele origin: unknown.

NM_000368.5(TSC1):c.2975+6A>T

Gene: TSC1 (TSC complex subunit 1; minus strand). Cytogenetic location: 9q34.13.
Variant type: single nucleotide variant.
Coding change: c.2975+6A>T on transcript NM_000368.5 (MANE Select); 6 bases into the intron after coding-DNA position 2975, A replaced by T.
Molecular consequence: intron variant.
Genome position (GRCh38, 1-based): chr9:132,897,178, T>A on the plus strand (A>T on the coding strand, the complement: TSC1 is on the minus strand). VCF-style: chr9-132897178-T-A. GRCh37 (hg19) VCF-style: chr9-135772565-T-A.
Other names: c.2612+6A>T (NM_001362177.2); c.2822+6A>T (NM_001162427.2); c.2972+6A>T (NM_001162426.2).
Identifiers: ClinVar variation 411272 (VCV000411272.11), dbSNP rs1060503220, ClinGen allele CA16612734.